The following is an entry in ClinVar:

NM_001166114.2(PNPLA6):c.2746A>G (p.Ser916Gly)

Gene: PNPLA6 (patatin like domain 6, lysophospholipase; plus strand). Cytogenetic location: 19p13.2.
Variant type: single nucleotide variant.
Coding change: c.2746A>G on transcript NM_001166114.2 (MANE Select); coding-DNA position 2746, A replaced by G.
Protein change: p.Ser916Gly; replaces serine 916 with glycine.
Molecular consequence: missense variant.
Genome position (GRCh38, 1-based): chr19:7,555,004, A>G. VCF-style: chr19-7555004-A-G. GRCh37 (hg19) VCF-style: chr19-7619890-A-G.
Other names: c.2776A>G, p.Ser926Gly (NM_001166111.2); c.2551A>G, p.Ser851Gly (NM_001166112.2); c.2632A>G, p.Ser878Gly (NM_001166113.1, NM_006702.5); short protein forms S916G, S851G, S878G, S926G.
Identifiers: ClinVar variation 960721 (VCV000960721.9), dbSNP rs2023809980, ClinGen allele CA403129848.
Genomic context (GRCh38, chr19:7,555,004, plus strand): 5'-CTGCTCCACCGAGAGGAGGGCGCGGGCCCCACGCGCACCGTGGAGTGGCTAAATATGCGC[A>G]GCTGGTGCTCGGGGCACCTGCACCTGCGCTGTCCGCGCCGCCTCTTTTCGCGCCGCAGCC-3'
Protein context (NP_001159586.1, residues 906-926): TRTVEWLNMR[Ser916Gly]WCSGHLHLRC

ClinVar aggregate classification (germline): Uncertain significance (1 of 4 stars; one submission).

Conditions:
Hereditary spastic paraplegia 39 (SPG39). Also called: SPASTIC PARAPLEGIA 39, AUTOSOMAL RECESSIVE; Spastic Paraplegia Type 39 (SPG39). Identifiers: Orphanet 139480, MedGen C2677586, MONDO:0012787, OMIM 612020.

Submission:

Labcorp Genetics (formerly Invitae), Labcorp
Classification: Uncertain significance for Hereditary spastic paraplegia 39. Last evaluated: 2025-08-21. Review status: criteria provided, single submitter. Criteria: Invitae Variant Classification Sherloc (09022015). Collection method: clinical testing. Allele origin: germline.
Comment: This sequence change replaces serine, which is neutral and polar, with glycine, which is neutral and non-polar, at codon 878 of the PNPLA6 protein (p.Ser878Gly). This variant is not present in population databases (gnomAD no frequency). This variant has not been reported in the literature in individuals affected with PNPLA6-related conditions. ClinVar contains an entry for this variant (Variation ID: 960721). Invitae Evidence Modeling of protein sequence and biophysical properties (such as structural, functional, and spatial information, amino acid conservation, physicochemical variation, residue mobility, and thermodynamic stability) indicates that this missense variant is not expected to disrupt PNPLA6 protein function with a negative predictive value of 80%. In summary, the available evidence is currently insufficient to determine the role of this variant in disease. Therefore, it has been classified as a Variant of Uncertain Significance.